The following is an entry in ClinVar:

ClinVar aggregate classification (germline): Uncertain significance. Review status: criteria provided, multiple submitters, no conflicts (2 of 4 stars). 3 submissions from 3 submitters: Uncertain significance (3). Last evaluated 2025-12-06.

Conditions:
Inborn genetic diseases. Identifiers: MedGen C0950123, MeSH D030342.

Allele frequency attached by ClinVar (database versions not stated): TOPMed 0.00003; 1000 Genomes Project 30x 0.00031; 1000 Genomes Project 0.00040; ExAC 0.00001; gnomAD exomes 0.00002; gnomAD 0.00003.
gnomAD v4.1: 29 of 1,613,450 alleles (0.0018%); highest among the groups gnomAD compares: Admixed American, 0.02%; no homozygotes.

Submissions (3):

GeneDx
Classification: Uncertain significance. Last evaluated: 2025-12-06. Review status: criteria provided, single submitter. Criteria: GeneDx Variant Classification Process June 2021. Collection method: clinical testing. Allele origin: germline. Affected: yes.
Comment: In silico analysis supports that this missense variant has a deleterious effect on protein structure/function; Has not been previously published as pathogenic or benign to our knowledge

Ambry Genetics
Classification: Uncertain significance for Inborn genetic diseases. Last evaluated: 2023-12-08. Review status: criteria provided, single submitter. Criteria: Ambry Variant Classification Scheme 2023. Collection method: clinical testing. Allele origin: germline.

Labcorp Genetics (formerly Invitae), Labcorp
Classification: Uncertain significance. Last evaluated: 2022-02-14. Review status: criteria provided, single submitter. Criteria: Invitae Variant Classification Sherloc (09022015). Collection method: clinical testing. Allele origin: germline.
Comment: In summary, the available evidence is currently insufficient to determine the role of this variant in disease. Therefore, it has been classified as a Variant of Uncertain Significance. Algorithms developed to predict the effect of missense changes on protein structure and function (SIFT, PolyPhen-2, Align-GVGD) all suggest that this variant is likely to be disruptive. This variant has not been reported in the literature in individuals affected with CLDN14-related conditions. This variant is present in population databases (rs573588226, gnomAD 0.02%). This sequence change replaces alanine, which is neutral and non-polar, with valine, which is neutral and non-polar, at codon 72 of the CLDN14 protein (p.Ala72Val).

NM_001146079.2(CLDN14):c.215C>T (p.Ala72Val)

Genes: CLDN14 (claudin 14; minus strand), CLDN14-AS1 (CLDN14 antisense RNA 1; plus strand). Cytogenetic location: 21q22.13.
Variant type: single nucleotide variant.
Coding change: c.215C>T on transcript NM_001146079.2 (MANE Select); coding-DNA position 215, C replaced by T.
Protein change: p.Ala72Val; replaces alanine 72 with valine.
Molecular consequence: missense variant.
Genome position (GRCh38, 1-based): chr21:36,461,481, G>A on the plus strand (C>T on the coding strand, the complement: CLDN14 is on the minus strand). VCF-style: chr21-36461481-G-A. GRCh37 (hg19) VCF-style: chr21-37833779-G-A.
Other names: c.215C>T (NM_144492.2); c.215C>T, p.Ala72Val (NM_001146077.2, NM_001146078.3, NM_012130.4 and 1 more transcripts); short protein forms A72V.
Identifiers: ClinVar variation 2148073 (VCV002148073.5), dbSNP rs573588226, ClinGen allele CA10019319.